The following is an entry in ClinVar:

NM_004174.4(SLC9A3):c.2427G>C (p.Lys809Asn)

Genes: SLC9A3 (solute carrier family 9 member A3), SLC9A3-AS1 (SLC9A3 antisense RNA 1; plus strand). Cytogenetic location: 5p15.33.
Variant type: single nucleotide variant.
Coding change: c.2427G>C on transcript NM_004174.4 (MANE Select); coding-DNA position 2427, G replaced by C.
Protein change: p.Lys809Asn; replaces lysine 809 with asparagine.
Molecular consequence: missense variant.
Genome position (GRCh38, 1-based): chr5:474,957, C>G on the plus strand (G>C on the coding strand, the complement: SLC9A3 is on the minus strand). VCF-style: chr5-474957-C-G. GRCh37 (hg19) VCF-style: chr5-475072-C-G.
Other names: c.2400G>C, p.Lys800Asn (NM_001284351.3); short protein forms K809N, K800N.
Identifiers: ClinVar variation 1377109 (VCV001377109.3), dbSNP rs1411391594, ClinGen allele CA359022981.
Genomic context (GRCh38, chr5:474,957, plus strand): 5'-GGGGAGGGCGGCGGGGGGCCGCTCCTCGGGGCCGTCTGCCTGCAGGAAGGAGTCCACGGA[C>G]TTGCTGCTGAGGCGGAAGGGCATCAGGCGGCAGAAGGTGCCGGGAGAGTAGGGAATCTGC-3'
Protein context (NP_004165.2, residues 799-819): CRLMPFRLSS[Lys809Asn]SVDSFLQADG

ClinVar aggregate classification (germline): Uncertain significance (1 of 4 stars; one submission).

Allele frequency attached by ClinVar (database versions not stated): gnomAD exomes below 0.00001 and 0.00001.
gnomAD v4.1: 2 of 1,609,704 alleles (0.00012%); highest among the groups gnomAD compares: Non-Finnish European, 0.000085%; no homozygotes.

Submission:

Labcorp Genetics (formerly Invitae), Labcorp
Classification: Uncertain significance. Last evaluated: 2021-08-16. Review status: criteria provided, single submitter. Criteria: Invitae Variant Classification Sherloc (09022015). Collection method: clinical testing. Allele origin: germline.
Comment: This sequence change replaces lysine with asparagine at codon 809 of the SLC9A3 protein (p.Lys809Asn). The lysine residue is moderately conserved and there is a moderate physicochemical difference between lysine and asparagine. This variant is not present in population databases (ExAC no frequency). This variant has not been reported in the literature in individuals affected with SLC9A3-related conditions. Algorithms developed to predict the effect of missense changes on protein structure and function are either unavailable or do not agree on the potential impact of this missense change (SIFT: "Not Available"; PolyPhen-2: "Possibly Damaging"; Align-GVGD: "Not Available"). In summary, the available evidence is currently insufficient to determine the role of this variant in disease. Therefore, it has been classified as a Variant of Uncertain Significance.